The following is an entry in ClinVar:

ClinVar aggregate classification (germline): Likely benign (1 of 4 stars; one submission).

Conditions:
Long QT syndrome (LQTS). Identifiers: MedGen C0023976, MeSH D008133, MONDO:0002442. Disease mechanism: loss of function. Inheritance: Various modes of inheritance.

Submissions (2):

Labcorp Genetics (formerly Invitae), Labcorp
Classification: Likely benign for Long QT syndrome. Last evaluated: 2025-10-13. Review status: criteria provided, single submitter. Criteria: Invitae Variant Classification Sherloc (09022015). Collection method: clinical testing. Allele origin: germline.

Roden Lab, Vanderbilt University Medical Center
No classification provided (evidence only). Condition: Long QT syndrome 5. Review status: no classification provided. Collection method: in vitro. Allele origin: not applicable. Functional consequence: Effect on ion channel function. Not counted in ClinVar's aggregate classification.
ClinVar note: "not provided" was previously submitted as the classification for the variant. However, the classification appeared to be based only on an observation of functional data so it was converted to no classification on 2025-07-30.

NM_000219.6(KCNE1):c.39G>C (p.Leu13=)

Gene: KCNE1 (potassium voltage-gated channel subfamily E regulatory subunit 1; minus strand). Cytogenetic location: 21q22.12.
Variant type: single nucleotide variant.
Coding change: c.39G>C on transcript NM_000219.6 (MANE Select); coding-DNA position 39, G replaced by C.
Protein change: p.Leu13=; no amino-acid change (leucine 13 retained).
Molecular consequence: synonymous variant.
Genome position (GRCh38, 1-based): chr21:34,449,596, C>G on the plus strand (G>C on the coding strand, the complement: KCNE1 is on the minus strand). VCF-style: chr21-34449596-C-G. GRCh37 (hg19) VCF-style: chr21-35821894-C-G.
Other names: c.39G>C, p.Leu13= (NM_001127668.4, NM_001127669.4, NM_001127670.4 and 4 more transcripts).
Identifiers: ClinVar variation 1113400 (VCV001113400.11), dbSNP rs976122175, ClinGen allele CA320425529.